The following is an entry in ClinVar:

ClinVar aggregate classification (germline): Uncertain significance (1 of 4 stars; one submission).

Conditions:
Ullrich congenital muscular dystrophy 2 (UCMD2). Identifiers: Orphanet 75840, MedGen C4225314, MONDO:0014654, OMIM 616470.
Bethlem myopathy 2 (BTHLM2). Identifiers: Orphanet 536516, Orphanet 610, MedGen C4225313, MONDO:0034022, OMIM 616471.

Submission:

Labcorp Genetics (formerly Invitae), Labcorp
Classification: Uncertain significance for Bethlem myopathy 2; Ullrich congenital muscular dystrophy 2. Last evaluated: 2021-06-02. Review status: criteria provided, single submitter. Criteria: Invitae Variant Classification Sherloc (09022015). Collection method: clinical testing. Allele origin: germline.
Comment: This variant has not been reported in the literature in individuals with COL12A1-related conditions. This variant is not present in population databases (ExAC no frequency). This sequence change replaces aspartic acid with valine at codon 864 of the COL12A1 protein (p.Asp864Val). The aspartic acid residue is moderately conserved and there is a large physicochemical difference between aspartic acid and valine. Algorithms developed to predict the effect of missense changes on protein structure and function are either unavailable or do not agree on the potential impact of this missense change (SIFT: "Deleterious"; PolyPhen-2: "Possibly Damaging"; Align-GVGD: "Class C0"). In summary, the available evidence is currently insufficient to determine the role of this variant in disease. Therefore, it has been classified as a Variant of Uncertain Significance.

NM_004370.6(COL12A1):c.2591A>T (p.Asp864Val)

Gene: COL12A1 (collagen type XII alpha 1 chain; minus strand). Cytogenetic location: 6q13.
Variant type: single nucleotide variant.
Coding change: c.2591A>T on transcript NM_004370.6 (MANE Select); coding-DNA position 2591, A replaced by T.
Protein change: p.Asp864Val; replaces aspartic acid 864 with valine.
Molecular consequence: missense variant. On other transcripts: intron variant (1).
Genome position (GRCh38, 1-based): chr6:75,175,157, T>A on the plus strand (A>T on the coding strand, the complement: COL12A1 is on the minus strand). VCF-style: chr6-75175157-T-A. GRCh37 (hg19) VCF-style: chr6-75884873-T-A.
Other names: c.74-22675A>T (NM_080645.3); short protein forms D864V.
Identifiers: ClinVar variation 1358424 (VCV001358424.8), dbSNP rs2149452026, ClinGen allele CA364761711.